The following is an entry in ClinVar:

ClinVar aggregate classification (germline): Uncertain significance (1 of 4 stars; one submission).

Conditions:
Wilms tumor 1 (WT1). Also called: Wilms tumor, somatic. Identifiers: Orphanet 654, MedGen CN033288, MONDO:0008679, OMIM 194070.

Submission:

Labcorp Genetics (formerly Invitae), Labcorp
Classification: Uncertain significance for Wilms tumor 1. Last evaluated: 2022-02-20. Review status: criteria provided, single submitter. Criteria: Invitae Variant Classification Sherloc (09022015). Collection method: clinical testing. Allele origin: germline.
Comment: In summary, the available evidence is currently insufficient to determine the role of this variant in disease. Therefore, it has been classified as a Variant of Uncertain Significance. Algorithms developed to predict the effect of sequence changes on RNA splicing suggest that this variant may create or strengthen a splice site. Algorithms developed to predict the effect of missense changes on protein structure and function (SIFT, PolyPhen-2, Align-GVGD) all suggest that this variant is likely to be tolerated. This variant has not been reported in the literature in individuals affected with GPC3-related conditions. This variant is not present in population databases (gnomAD no frequency). This sequence change replaces glycine, which is neutral and non-polar, with serine, which is neutral and polar, at codon 275 of the GPC3 protein (p.Gly275Ser).

NM_004484.4(GPC3):c.823G>A (p.Gly275Ser)

Gene: GPC3 (glypican 3; minus strand). Cytogenetic location: Xq26.2.
Variant type: single nucleotide variant.
Coding change: c.823G>A on transcript NM_004484.4 (MANE Select); coding-DNA position 823, G replaced by A.
Protein change: p.Gly275Ser; replaces glycine 275 with serine.
Molecular consequence: missense variant.
Genome position (GRCh38, 1-based): chrX:133,753,691, C>T on the plus strand (G>A on the coding strand, the complement: GPC3 is on the minus strand). VCF-style: chrX-133753691-C-T. GRCh37 (hg19) VCF-style: chrX-132887718-C-T.
Other names: c.823G>A, p.Gly275Ser (NM_001164617.2); c.775G>A, p.Gly259Ser (NM_001164618.2); c.661G>A, p.Gly221Ser (NM_001164619.2); short protein forms G221S, G259S, G275S.
Identifiers: ClinVar variation 1388322 (VCV001388322.6), dbSNP rs2124480115, ClinGen allele CA414705678.
Genomic context (GRCh38, chrX:133,753,691, plus strand): 5'-ACTTGTCAATCTCCACCACACCTGCCATACAGCCTTGCATGACCACATTGCAGTAACCGC[C>T]ACAGGGTTTAACCATCATCAGTCCCTGGCAGTAAGAGCAGTACCACATTCTGGTGAGCAT-3'
Protein context (NP_004475.1, residues 265-285): CQGLMMVKPC[Gly275Ser]GYCNVVMQGC